The following is an entry in ClinVar:

NM_001605.3(AARS1):c.783C>G (p.Asp261Glu)

Gene: AARS1 (alanyl-tRNA synthetase 1; minus strand). Cytogenetic location: 16q22.1.
Variant type: single nucleotide variant.
Coding change: c.783C>G on transcript NM_001605.3 (MANE Select); coding-DNA position 783, C replaced by G.
Protein change: p.Asp261Glu; replaces aspartic acid 261 with glutamic acid.
Molecular consequence: missense variant.
Genome position (GRCh38, 1-based): chr16:70,270,229, G>C on the plus strand (C>G on the coding strand, the complement: AARS1 is on the minus strand). VCF-style: chr16-70270229-G-C. GRCh37 (hg19) VCF-style: chr16-70304132-G-C.
Other names: short protein forms D261E.
Identifiers: ClinVar variation 576647 (VCV000576647.33), dbSNP rs1374950172, ClinGen allele CA396565230.

ClinVar aggregate classification (germline): Uncertain significance. Review status: criteria provided, multiple submitters, no conflicts (2 of 4 stars). 7 submissions from 7 submitters: Uncertain significance (7). Last evaluated 2025-06-16.

Conditions:
Inborn genetic diseases. Identifiers: MedGen C0950123, MeSH D030342.
Charcot-Marie-Tooth disease. Also called: Charcot-Marie-Tooth Hereditary Neuropathy; Charcot-Marie-Tooth Neuropathy. Identifiers: Orphanet 166, MedGen C0007959, MONDO:0015626.
Charcot-Marie-Tooth disease type 2. Also called: Charcot-Marie-Tooth type 2. Identifiers: Orphanet 64746, MedGen C0270914, MONDO:0018993.

Allele frequency attached by ClinVar (database versions not stated): TOPMed below 0.00001; gnomAD exomes 0.00001 and 0.00008.
gnomAD v4.1: 117 of 1,614,164 alleles (0.0072%); highest among the groups gnomAD compares: Non-Finnish European, 0.0096%; no homozygotes.

Submissions (7):

Women's Health and Genetics/Laboratory Corporation of America, LabCorp
Classification: Uncertain significance. Last evaluated: 2025-06-16. Review status: criteria provided, single submitter. Criteria: LabCorp Variant Classification Summary - May 2015. Collection method: clinical testing. Allele origin: germline.
Comment: Variant summary: AARS1 c.783C>G (p.Asp261Glu) results in a conservative amino acid change in the encoded protein sequence. Algorithms developed to predict the effect of missense changes on protein structure and function are either unavailable or do not agree on the potential impact of this missense change. The variant allele was found at a frequency of 1.2e-05 in 251476 control chromosomes (gnomAD). The available data on variant occurrences in the general population are insufficient to allow any conclusion about variant significance. c.783C>G has been observed in one individual affected with Charcot-Marie-Tooth disease (Volodarsky_2020). The report does not provide unequivocal conclusions about association of the variant with Developmental and epileptic encephalopathy, 29. To our knowledge, no experimental evidence demonstrating an impact on protein function has been reported. The following publication have been ascertained in the context of this evaluation (PMID: 32376792). ClinVar contains an entry for this variant (Variation ID: 576647). Based on the evidence outlined above, the variant was classified as uncertain significance.

Labcorp Genetics (formerly Invitae), Labcorp
Classification: Uncertain significance for Charcot-Marie-Tooth disease type 2. Last evaluated: 2025-04-23. Review status: criteria provided, single submitter. Criteria: Invitae Variant Classification Sherloc (09022015). Collection method: clinical testing. Allele origin: germline.
Comment: This sequence change replaces aspartic acid, which is acidic and polar, with glutamic acid, which is acidic and polar, at codon 261 of the AARS protein (p.Asp261Glu). This variant is present in population databases (no rsID available, gnomAD 0.003%). This missense change has been observed in individual(s) with clinical features of Charcot-Marie-Tooth disease (PMID: 32376792). ClinVar contains an entry for this variant (Variation ID: 576647). Invitae Evidence Modeling of protein sequence and biophysical properties (such as structural, functional, and spatial information, amino acid conservation, physicochemical variation, residue mobility, and thermodynamic stability) has been performed for this missense variant. However, the output from this modeling did not meet the statistical confidence thresholds required to predict the impact of this variant on AARS protein function. In summary, the available evidence is currently insufficient to determine the role of this variant in disease. Therefore, it has been classified as a Variant of Uncertain Significance.

GeneDx
Classification: Uncertain significance. Last evaluated: 2025-02-13. Review status: criteria provided, single submitter. Criteria: GeneDx Variant Classification Process June 2021. Collection method: clinical testing. Allele origin: germline. Affected: yes.
Comment: Observed in patient suspected to have Charcot-Marie-Tooth in published literature; however, zygosity and additional clinical information was not provided (PMID: 32376792); Not observed at significant frequency in large population cohorts (gnomAD); In silico analysis supports that this missense variant has a deleterious effect on protein structure/function; This variant is associated with the following publications: (PMID: 25817015, 32376792)

CeGaT Center for Human Genetics Tuebingen
Classification: Uncertain significance. Last evaluated: 2024-07-01. Review status: criteria provided, single submitter. Criteria: CeGaT Center For Human Genetics Tuebingen Variant Classification Criteria Version 2. Collection method: clinical testing. Allele origin: germline. Affected: yes. Observed: 1 variant allele.
Comment: AARS1: PM2

Ambry Genetics
Classification: Uncertain significance for Inborn genetic diseases. Last evaluated: 2022-01-04. Review status: criteria provided, single submitter. Criteria: Ambry Variant Classification Scheme 2023. Collection method: clinical testing. Allele origin: germline.
Comment: The p.D261E variant (also known as c.783C>G), located in coding exon 5 of the AARS gene, results from a C to G substitution at nucleotide position 783. The aspartic acid at codon 261 is replaced by glutamic acid, an amino acid with highly similar properties. This alteration was detected in an individual among a cohort of Charcot-Marie-Tooth disease patients (Volodarsky M et al. J Med Genet, 2021 04;58:284-288). This amino acid position is highly conserved in available vertebrate species. In addition, this alteration is predicted to be deleterious by in silico analysis. Since supporting evidence is limited at this time, the clinical significance of this alteration remains unclear.

Blueprint Genetics
Classification: Uncertain significance. Last evaluated: 2017-08-01. Review status: criteria provided, single submitter. Criteria: ACMG Guidelines, 2015. Collection method: clinical testing. Allele origin: germline.

Molecular Genetics Laboratory, London Health Sciences Centre
Classification: Uncertain significance for Charcot-Marie-Tooth disease. Review status: criteria provided, single submitter. Criteria: ACMG Guidelines, 2015. Collection method: clinical testing. Allele origin: germline. Affected: yes.

Literature cited by the submitters: PubMed 32376792 (cited by 3 submitters).